The following is an entry in ClinVar:

NM_004360.5(CDH1):c.87C>A (p.His29Gln)

Gene: CDH1 (cadherin 1; plus strand). Cytogenetic location: 16q22.1.
Variant type: single nucleotide variant.
Coding change: c.87C>A on transcript NM_004360.5 (MANE Select); coding-DNA position 87, C replaced by A.
Protein change: p.His29Gln; replaces histidine 29 with glutamine.
Molecular consequence: missense variant. On other transcripts: 5 prime UTR variant (2).
Genome position (GRCh38, 1-based): chr16:68,738,335, C>A. VCF-style: chr16-68738335-C-A. GRCh37 (hg19) VCF-style: chr16-68772238-C-A.
Other names: c.87C>A, p.His29Gln (NM_001317184.2); c.-1529C>A (NM_001317185.2); c.-1733C>A (NM_001317186.2); c.87C>A (NM_004360.3); short protein forms H29Q.
Identifiers: ClinVar variation 1331759 (VCV001331759.11), dbSNP rs1555509762, ClinGen allele CA396451845.
Genomic context (GRCh38, chr16:68,738,335, plus strand): 5'-ATCTACCTTTCCCCCACCCCAGGTCTCCTCTTGGCTCTGCCAGGAGCCGGAGCCCTGCCA[C>A]CCTGGCTTTGACGCCGAGAGCTACACGTTCACGGTGCCCCGGCGCCACCTGGAGAGAGGC-3'
Protein context (NP_004351.1, residues 19-39): SWLCQEPEPC[His29Gln]PGFDAESYTF

ClinVar aggregate classification (germline): Conflicting classifications of pathogenicity. Review status: criteria provided, conflicting classifications (1 of 4 stars). 3 submissions from 3 submitters: Uncertain significance (2); Likely benign (1). Last evaluated 2026-05-11.

Conditions:
Hereditary diffuse gastric adenocarcinoma (HDGC). Also called: DIFFUSE GASTRIC AND LOBULAR BREAST CANCER SYNDROME. Identifiers: Orphanet 26106, MedGen C1708349, MONDO:0007648, OMIM 137215.
Hereditary cancer-predisposing syndrome. Also called: Neoplastic Syndromes, Hereditary; Tumor predisposition; Hereditary Cancer Syndrome; Hereditary neoplastic syndrome. Identifiers: Orphanet 140162, MedGen C0027672, MeSH D009386, MONDO:0015356.

Allele frequency attached by ClinVar (database versions not stated): gnomAD exomes below 0.00001.
gnomAD v4.1: 1 of 1,531,368 alleles (0.000065%); highest among the groups gnomAD compares: South Asian, 0.0012%; no homozygotes.

Submissions (3):

Ambry Genetics
Classification: Likely benign for Hereditary cancer-predisposing syndrome. Last evaluated: 2026-05-11. Review status: criteria provided, single submitter. Criteria: Ambry Variant Classification Scheme 2023. Collection method: clinical testing. Allele origin: germline.

Labcorp Genetics (formerly Invitae), Labcorp
Classification: Uncertain significance for Hereditary diffuse gastric adenocarcinoma. Last evaluated: 2023-05-17. Review status: criteria provided, single submitter. Criteria: Invitae Variant Classification Sherloc (09022015). Collection method: clinical testing. Allele origin: germline.
Comment: In summary, the available evidence is currently insufficient to determine the role of this variant in disease. Therefore, it has been classified as a Variant of Uncertain Significance. An algorithm developed to predict the effect of missense changes on protein structure and function (PolyPhen-2) suggests that this variant¬† is likely to be tolerated. ClinVar contains an entry for this variant (Variation ID: 1331759). This variant has not been reported in the literature in individuals affected with CDH1-related conditions. This variant is not present in population databases (gnomAD no frequency). This sequence change replaces histidine, which is basic and polar, with glutamine, which is neutral and polar, at codon 29 of the CDH1 protein (p.His29Gln).

Color Diagnostics, LLC DBA Color Health
Classification: Uncertain significance for Hereditary cancer-predisposing syndrome. Last evaluated: 2021-03-12. Review status: criteria provided, single submitter. Criteria: ACMG Guidelines, 2015. Collection method: clinical testing. Allele origin: germline.
Comment: This missense variant replaces histidine with glutamine at codon 29 of the CDH1 protein. To our knowledge, functional studies have not been reported for this variant. This variant has not been reported in individuals affected with hereditary cancer in the literature. This variant has not been identified in the general population by the Genome Aggregation Database (gnomAD). The available evidence is insufficient to determine the role of this variant in disease conclusively. Therefore, this variant is classified as a Variant of Uncertain Significance.